The following is an entry in ClinVar:

ClinVar aggregate classification (germline): Uncertain significance (1 of 4 stars; one submission).

Conditions:
RASopathy. Also called: Noonan spectrum disorder; rasopathies. Identifiers: Orphanet 536391, MedGen C5555857, MONDO:0021060.

Allele frequency attached by ClinVar (database versions not stated): TOPMed below 0.00001; gnomAD exomes 0.00001.
gnomAD v4.1: 3 of 1,604,434 alleles (0.00019%); highest among the groups gnomAD compares: Non-Finnish European, 0.00026%; no homozygotes.

Submission:

Labcorp Genetics (formerly Invitae), Labcorp
Classification: Uncertain significance for RASopathy. Last evaluated: 2024-03-21. Review status: criteria provided, single submitter. Criteria: Invitae Variant Classification Sherloc (09022015). Collection method: clinical testing. Allele origin: germline.
Comment: This sequence change falls in intron 11 of the RAF1 gene. It does not directly change the encoded amino acid sequence of the RAF1 protein. It affects a nucleotide within the consensus splice site. This variant is present in population databases (no rsID available, gnomAD 0.002%). This variant has not been reported in the literature in individuals affected with RAF1-related conditions. ClinVar contains an entry for this variant (Variation ID: 948534). Variants that disrupt the consensus splice site are a relatively common cause of aberrant splicing (PMID: 17576681, 9536098). Algorithms developed to predict the effect of sequence changes on RNA splicing suggest that this variant is not likely to affect RNA splicing. In summary, the available evidence is currently insufficient to determine the role of this variant in disease. Therefore, it has been classified as a Variant of Uncertain Significance.

Literature cited by the submitters: PubMed 17576681; PubMed 9536098.

NM_002880.4(RAF1):c.1194-3C>T

Gene: RAF1 (Raf-1 proto-oncogene, serine/threonine kinase; minus strand). Cytogenetic location: 3p25.2.
Variant type: single nucleotide variant.
Coding change: c.1194-3C>T on transcript NM_002880.4 (MANE Select); 3 bases into the intron before coding-DNA position 1194, C replaced by T.
Molecular consequence: intron variant.
Genome position (GRCh38, 1-based): chr3:12,590,977, G>A on the plus strand (C>T on the coding strand, the complement: RAF1 is on the minus strand). VCF-style: chr3-12590977-G-A. GRCh37 (hg19) VCF-style: chr3-12632476-G-A.
Other names: c.852-3C>T (NM_001354695.3); c.951-3C>T (NM_001354692.3, NM_001354691.3); c.1011-3C>T (NM_001354694.3); c.1095-3C>T (NM_001354693.3); c.1254-3C>T (NM_001354689.3); c.1194-3C>T (NM_001354690.3).
Identifiers: ClinVar variation 948534 (VCV000948534.9), dbSNP rs1223755089, ClinGen allele CA541675309.